The following is an entry in ClinVar:

ClinVar aggregate classification (germline): Conflicting classifications of pathogenicity. Review status: criteria provided, conflicting classifications (1 of 4 stars). 2 submissions from 2 submitters: Uncertain significance (1); Likely benign (1). Last evaluated 2022-12-23.

Conditions:
Autosomal dominant intellectual disability-craniofacial anomalies-cardiac defects syndrome (ARTHS). Also called: Arboleda-Tham syndrome; Mental retardation, autosomal dominant 32; KAT6A syndrome. Identifiers: Orphanet 457193, MedGen C4225396, MONDO:0014558, OMIM 616268.

Allele frequency attached by ClinVar (database versions not stated): gnomAD exomes below 0.00001.
gnomAD v4.1: 2 of 1,611,852 alleles (0.00012%); highest among the groups gnomAD compares: Admixed American, 0.0017%; no homozygotes.

Submissions (2):

Pittsburgh Clinical Genomics Laboratory, University of Pittsburgh Medical Center
Classification: Uncertain significance for Autosomal dominant intellectual disability-craniofacial anomalies-cardiac defects syndrome. Last evaluated: 2022-12-23. Review status: criteria provided, single submitter. Criteria: ACMG Guidelines, 2015. Collection method: clinical testing. Allele origin: germline. Inheritance: Autosomal dominant inheritance. Affected: yes.
Comment: This sequence variant is a single nucleotide substitution (C>T) at coding position 2980 of the KAT6A gene that results in a proline to serine amino acid change at residue 994 of the KAT6A protein. The Pro994 residue falls in the acidic domain (PMID: 30245513). This variant is absent from an online database of functiolly annotated variants (ClinVar) and is present in 1 of 248,244 alleles (0.0004%) in the gnomAD population database. To our knowledge, this variant has not been observed in an individual with a KAT6A-related disorder in the published literature. Multiple bioinformatic tools predict that this proline to serine amino acid change would be tolerated, though the proline residue at this position is highly conserved across the vertebrate species examined. Studies examining the functiol consequence of this variant have not been published, to our knowledge. At this time, there is insufficient evidence to determine if this variant is pathogenic or benign. Therefore, we consider this a variant of uncertain significance. ACMG Criteria: BP1, BP4, PM2

Labcorp Genetics (formerly Invitae), Labcorp
Classification: Likely benign. Last evaluated: 2022-05-29. Review status: criteria provided, single submitter. Criteria: Invitae Variant Classification Sherloc (09022015). Collection method: clinical testing. Allele origin: germline.

Literature cited by the submitters: PubMed 30245513 (cited by Pittsburgh Clinical Genomics Laboratory, University of Pittsburgh Medical Center).

NM_006766.5(KAT6A):c.2980C>T (p.Pro994Ser)

Gene: KAT6A (lysine acetyltransferase 6A; minus strand). Cytogenetic location: 8p11.21.
Variant type: single nucleotide variant.
Coding change: c.2980C>T on transcript NM_006766.5 (MANE Select); coding-DNA position 2980, C replaced by T.
Protein change: p.Pro994Ser; replaces proline 994 with serine.
Molecular consequence: missense variant.
Genome position (GRCh38, 1-based): chr8:41,940,901, G>A on the plus strand (C>T on the coding strand, the complement: KAT6A is on the minus strand). VCF-style: chr8-41940901-G-A. GRCh37 (hg19) VCF-style: chr8-41798419-G-A.
Other names: short protein forms P994S.
Identifiers: ClinVar variation 2000579 (VCV002000579.5), dbSNP rs1564010191, ClinGen allele CA371071241.
Genomic context (GRCh38, chr8:41,940,901, plus strand): 5'-CCTTTCGCTTCAGCGTGGGCTTTGTGAGAATTGGTGGCGAGCTTGACCGAGGGCTTTCCG[G>A]CTCCTCCTCCTCCTCGCTGCTCTCACTGAAGCCCCTGAGGACAGCCCTGTCACCCTCACT-3'
Protein context (NP_006757.2, residues 984-1004): FSESSEEEEE[Pro994Ser]ESPRSSSPPI